The following is an entry in ClinVar:

ClinVar aggregate classification (germline): Likely benign (1 of 4 stars; one submission).

gnomAD v4.1: 2 of 1,612,930 alleles (0.00012%); highest among the groups gnomAD compares: Non-Finnish European, 0.00017%; no homozygotes.

Submission:

CeGaT Center for Human Genetics Tuebingen
Classification: Likely benign. Last evaluated: 2025-09-01. Review status: criteria provided, single submitter. Criteria: CeGaT Center For Human Genetics Tuebingen Variant Classification Criteria Version 2. Collection method: clinical testing. Allele origin: germline. Affected: yes. Observed: 1 variant allele.
Comment: ANKLE2: BP4, BP7

NM_015114.3(ANKLE2):c.2568C>T (p.His856=)

Gene: ANKLE2 (ankyrin repeat and LEM domain containing 2; minus strand). Cytogenetic location: 12q24.33.
Variant type: single nucleotide variant.
Coding change: c.2568C>T on transcript NM_015114.3 (MANE Select); coding-DNA position 2568, C replaced by T.
Protein change: p.His856=; no amino-acid change (histidine 856 retained).
Molecular consequence: synonymous variant.
Genome position (GRCh38, 1-based): chr12:132,728,079, G>A on the plus strand (C>T on the coding strand, the complement: ANKLE2 is on the minus strand). VCF-style: chr12-132728079-G-A. GRCh37 (hg19) VCF-style: chr12-133304665-G-A.
Identifiers: ClinVar variation 4281448 (VCV004281448.7).